The following is an entry in ClinVar:

ClinVar aggregate classification (germline): Uncertain significance (1 of 4 stars; one submission).

gnomAD v4.1: 6 of 1,614,028 alleles (0.00037%); highest among the groups gnomAD compares: Non-Finnish European, 0.00051%; no homozygotes.

Submission:

Athena Diagnostics
Classification: Uncertain significance. Last evaluated: 2025-01-21. Review status: criteria provided, single submitter. Criteria: Athena Diagnostics Criteria. Collection method: clinical testing. Allele origin: unknown.
Comment: Available data are insufficient to determine the clinical significance of the variant at this time. The frequency of this variant in the general population is uninformative in assessment of its pathogenicity. Polyphen and MutationTaster predict this amino acid change may be benign.

NM_182961.4(SYNE1):c.13520A>G (p.Gln4507Arg)

Gene: SYNE1 (spectrin repeat containing nuclear envelope protein 1; minus strand). Cytogenetic location: 6q25.2.
Variant type: single nucleotide variant.
Coding change: c.13520A>G on transcript NM_182961.4 (MANE Select); coding-DNA position 13520, A replaced by G.
Protein change: p.Gln4507Arg; replaces glutamine 4507 with arginine.
Molecular consequence: missense variant.
Genome position (GRCh38, 1-based): chr6:152,331,165, T>C on the plus strand (A>G on the coding strand, the complement: SYNE1 is on the minus strand). VCF-style: chr6-152331165-T-C. GRCh37 (hg19) VCF-style: chr6-152652300-T-C.
Other names: c.13307A>G, p.Gln4436Arg (NM_033071.5); short protein forms Q4436R, Q4507R.
Identifiers: ClinVar variation 4682249 (VCV004682249.1).